The following is an entry in ClinVar:

ClinVar aggregate classification (germline): Uncertain significance (1 of 4 stars; one submission).

Submission:

Ambry Genetics
Classification: Uncertain significance. Last evaluated: 2024-07-13. Review status: criteria provided, single submitter. Criteria: Ambry Variant Classification Scheme 2023. Collection method: clinical testing. Allele origin: germline.
Comment: The p.L2542F variant (also known as c.7624C>T), located in coding exon 29 of the POLQ gene, results from a C to T substitution at nucleotide position 7624. The leucine at codon 2542 is replaced by phenylalanine, an amino acid with highly similar properties. This amino acid position is conserved. In addition, this alteration is predicted to be deleterious by in silico analysis. Based on the available evidence, the clinical significance of this variant remains unclear.

NM_199420.4(POLQ):c.7624C>T (p.Leu2542Phe)

Gene: POLQ (DNA polymerase theta; minus strand). Cytogenetic location: 3q13.33.
Variant type: single nucleotide variant.
Coding change: c.7624C>T on transcript NM_199420.4 (MANE Select); coding-DNA position 7624, C replaced by T.
Protein change: p.Leu2542Phe; replaces leucine 2542 with phenylalanine.
Molecular consequence: missense variant.
Genome position (GRCh38, 1-based): chr3:121,432,953, G>A on the plus strand (C>T on the coding strand, the complement: POLQ is on the minus strand). VCF-style: chr3-121432953-G-A. GRCh37 (hg19) VCF-style: chr3-121151800-G-A.
Other names: short protein forms L2542F.
Identifiers: ClinVar variation 3422447 (VCV003422447.1).